The following is an entry in ClinVar:

ClinVar aggregate classification (germline): Uncertain significance. Review status: criteria provided, multiple submitters, no conflicts (2 of 4 stars). 2 submissions from 2 submitters: Uncertain significance (2). Last evaluated 2025-02-19.

gnomAD v4.1: 3 of 1,160,767 alleles (0.00026%); highest among the groups gnomAD compares: Middle Eastern, 0.071%; no homozygotes.

Submissions (2):

Labcorp Genetics (formerly Invitae), Labcorp
Classification: Uncertain significance. Last evaluated: 2025-02-19. Review status: criteria provided, single submitter. Criteria: Invitae Variant Classification Sherloc (09022015). Collection method: clinical testing. Allele origin: germline.
Comment: This sequence change replaces valine, which is neutral and non-polar, with isoleucine, which is neutral and non-polar, at codon 889 of the POLA1 protein (p.Val889Ile). This variant is not present in population databases (gnomAD no frequency). This variant has not been reported in the literature in individuals affected with POLA1-related conditions. ClinVar contains an entry for this variant (Variation ID: 1488291). An algorithm developed to predict the effect of missense changes on protein structure and function outputs the following: PolyPhen-2: "Benign". The isoleucine amino acid residue is found in multiple mammalian species, which suggests that this missense change does not adversely affect protein function. In summary, the available evidence is currently insufficient to determine the role of this variant in disease. Therefore, it has been classified as a Variant of Uncertain Significance.

CeGaT Center for Human Genetics Tuebingen
Classification: Uncertain significance. Last evaluated: 2023-12-01. Review status: criteria provided, single submitter. Criteria: CeGaT Center For Human Genetics Tuebingen Variant Classification Criteria Version 2. Collection method: clinical testing. Allele origin: germline. Affected: yes. Observed: 1 variant allele.
Comment: POLA1: PM2, BP4

NM_001330360.2(POLA1):c.2683G>A (p.Val895Ile)

Gene: POLA1 (DNA polymerase alpha 1, catalytic subunit; plus strand). Cytogenetic location: Xp22.11.
Variant type: single nucleotide variant.
Coding change: c.2683G>A on transcript NM_001330360.2 (MANE Select); coding-DNA position 2683, G replaced by A.
Protein change: p.Val895Ile; replaces valine 895 with isoleucine.
Molecular consequence: missense variant. On other transcripts: non-coding transcript variant (2).
Genome position (GRCh38, 1-based): chrX:24,745,534, G>A. VCF-style: chrX-24745534-G-A. GRCh37 (hg19) VCF-style: chrX-24763651-G-A.
Other names: c.2608G>A, p.Val870Ile (NM_001378303.1); c.2665G>A, p.Val889Ile (NM_016937.4); short protein forms V870I, V889I, V895I.
Identifiers: ClinVar variation 1488291 (VCV001488291.30), dbSNP rs2148400104, ClinGen allele CA412538182.
Genomic context (GRCh38, chrX:24,745,534, plus strand): 5'-ATTCAGGAATTTAACATTTGTTTTACAACAGTACAAAGAGTTGCTTCAGAGGCACAGAAA[G>A]TTACAGAGGTTTGTATTTAACCTGGGACTCTTGAAATTGAGTTTAAAAAAATTGCTTAAA-3'
Protein context (NP_001317289.1, residues 885-905): VQRVASEAQK[Val895Ile]TEDGEQEQIP